The following is an entry in ClinVar:

NM_003640.5(ELP1):c.3639_3640delinsCT (p.Glu1214Ter)

Gene: ELP1 (elongator acetyltransferase complex subunit 1; minus strand). Cytogenetic location: 9q31.3.
Variant type: Indel.
Coding change: c.3639_3640delinsCT on transcript NM_003640.5 (MANE Select); coding-DNA positions 3639 to 3640, GG replaced by CT.
Protein change: p.Glu1214Ter; replaces glutamic acid 1214 with a stop codon.
Molecular consequence: nonsense.
Genome position (GRCh38, 1-based): chr9:108,878,683-108,878,684, CC replaced by AG on the plus strand (GG replaced by CT on the coding strand, the reverse complement: ELP1 is on the minus strand). VCF-style: chr9-108878683-CC-AG. GRCh37 (hg19) VCF-style: chr9-111640963-CC-AG.
Other names: c.3297_3298delinsCT, p.Glu1100Ter (NM_001318360.2); c.2592_2593delinsCT, p.Glu865Ter (NM_001330749.2); short protein forms E1100*, E1214*, E865*.
Identifiers: ClinVar variation 4815235 (VCV004815235.1).

ClinVar aggregate classification (germline): Likely pathogenic (1 of 4 stars; one submission).

Conditions:
Familial dysautonomia. Also called: HSAN III; FD. Identifiers: Orphanet 1764, MedGen C0013364, MONDO:0009131, OMIM 223900. Disease mechanism: loss of function.

Submission:

Natera, Inc.
Classification: Likely pathogenic for Familial dysautonomia. Last evaluated: 2025-12-07. Review status: criteria provided, single submitter. Criteria: Natera Variant Classification Schema (03/2026). Collection method: clinical testing. Allele origin: germline.
Comment: The c.3639_3640delinsCT variant in ELP1 is a deletion-insertion (delins) variant predicted to replace one or more nucleotides with a different sequence. This variant is expected to result in nonsense mediated decay, truncation, or a dysfunctional protein product. This variant is rare in the general population with a frequency below the threshold expected for the associated phenotype(s). Given the available evidence, this variant is classified as Likely Pathogenic.